The following is an entry in ClinVar:

NM_005732.4(RAD50):c.2943_2946del (p.Asn981fs)

Gene: RAD50 (RAD50 double strand break repair protein; plus strand). Cytogenetic location: 5q31.1.
Variant type: Deletion.
Coding change: c.2943_2946del on transcript NM_005732.4 (MANE Select); coding-DNA positions 2943 to 2946, 4 bases deleted (TAAA; older notation c.2943_2946delTAAA).
Protein change: p.Asn981fs; shifts the reading frame from asparagine 981.
Molecular consequence: frameshift variant.
Genome position (GRCh38, 1-based): chr5:132,609,303-132,609,306, TAAA deleted; deleting any 4 consecutive bases within chr5:132,609,301-132,609,306 gives the same sequence; the c. name uses the placement nearest the transcript's 3' end. VCF-style (leftmost placement, unchanged base first): chr5-132609300-TAATA-T. GRCh37 (hg19) VCF-style: chr5-131944992-TAATA-T.
Other names: short protein forms N981fs.
Identifiers: ClinVar variation 3312311 (VCV003312311.1).

ClinVar aggregate classification (germline): Pathogenic (1 of 4 stars; one submission).

Conditions:
Hereditary cancer-predisposing syndrome. Also called: Neoplastic Syndromes, Hereditary; Tumor predisposition; Hereditary neoplastic syndrome; Hereditary Cancer Syndrome. Identifiers: Orphanet 140162, MedGen C0027672, MeSH D009386, MONDO:0015356.

Submission:

Ambry Genetics
Classification: Pathogenic for Hereditary cancer-predisposing syndrome. Last evaluated: 2024-04-25. Review status: criteria provided, single submitter. Criteria: Ambry Variant Classification Scheme 2023. Collection method: clinical testing. Allele origin: germline.
Comment: The c.2943_2946delTAAA pathogenic mutation, located in coding exon 19 of the RAD50 gene, results from a deletion of 4 nucleotides at nucleotide positions 2943 to 2946, causing a translational frameshift with a predicted alternate stop codon (p.N981Kfs*2). This variant is considered to be rare based on population cohorts in the Genome Aggregation Database (gnomAD). This alteration is expected to result in loss of function by premature protein truncation or nonsense-mediated mRNA decay. As such, this alteration is interpreted as a disease-causing mutation.